The following is an entry in ClinVar:

NM_001004334.4(GPR179):c.4459G>A (p.Val1487Met)

Gene: GPR179 (G protein-coupled receptor 179; minus strand). Cytogenetic location: 17q12.
Variant type: single nucleotide variant.
Coding change: c.4459G>A on transcript NM_001004334.4 (MANE Select); coding-DNA position 4459, G replaced by A.
Protein change: p.Val1487Met; replaces valine 1487 with methionine.
Molecular consequence: missense variant.
Genome position (GRCh38, 1-based): chr17:38,329,110, C>T on the plus strand (G>A on the coding strand, the complement: GPR179 is on the minus strand). VCF-style: chr17-38329110-C-T. GRCh37 (hg19) VCF-style: chr17-36484993-C-T.
Other names: short protein forms V1487M.
Identifiers: ClinVar variation 892174 (VCV000892174.11), dbSNP rs187514572, ClinGen allele CA290104147.

ClinVar aggregate classification (germline): Uncertain significance. Review status: criteria provided, multiple submitters, no conflicts (2 of 4 stars). 3 submissions from 3 submitters: Uncertain significance (3). Last evaluated 2026-02-02.

Conditions:
Congenital stationary night blindness 1E. Also called: Night blindness, congenital stationary (complete), 1E, autosomal recessive. Identifiers: Orphanet 215, MedGen C3281215, MONDO:0013807, OMIM 614565.
Inborn genetic diseases. Identifiers: MedGen C0950123, MeSH D030342.

Allele frequency attached by ClinVar (database versions not stated): ExAC 0.00007; gnomAD 0.00009 and 0.00010; gnomAD exomes 0.00009 and 0.00010; TOPMed 0.00012; 1000 Genomes Project 0.00020; 1000 Genomes Project 30x 0.00031.
gnomAD v4.1: 165 of 1,611,882 alleles (0.01%); highest among the groups gnomAD compares: Admixed American, 0.033%; no homozygotes.

Submissions (3):

Labcorp Genetics (formerly Invitae), Labcorp
Classification: Uncertain significance. Last evaluated: 2026-02-02. Review status: criteria provided, single submitter. Criteria: Invitae Variant Classification Sherloc (09022015). Collection method: clinical testing. Allele origin: germline.
Comment: This sequence change replaces valine, which is neutral and non-polar, with methionine, which is neutral and non-polar, at codon 1487 of the GPR179 protein (p.Val1487Met). This variant is present in population databases (rs187514572, gnomAD 0.03%). This variant has not been reported in the literature in individuals affected with GPR179-related conditions. ClinVar contains an entry for this variant (Variation ID: 892174). An algorithm developed to predict the effect of missense changes on protein structure and function outputs the following: PolyPhen-2: "Benign". The methionine amino acid residue is found in multiple mammalian species, which suggests that this missense change does not adversely affect protein function. In summary, the available evidence is currently insufficient to determine the role of this variant in disease. Therefore, it has been classified as a Variant of Uncertain Significance.

Ambry Genetics
Classification: Uncertain significance for Inborn genetic diseases. Last evaluated: 2023-04-26. Review status: criteria provided, single submitter. Criteria: Ambry Variant Classification Scheme 2023. Collection method: clinical testing. Allele origin: germline.

Illumina Laboratory Services, Illumina
Classification: Uncertain significance for Congenital stationary night blindness 1E. Last evaluated: 2018-01-12. Review status: criteria provided, single submitter. Criteria: ICSL Variant Classification Criteria 13 December 2019. Collection method: clinical testing. Allele origin: germline.